The following is an entry in ClinVar:

ClinVar aggregate classification (germline): Uncertain significance. Review status: criteria provided, multiple submitters, no conflicts (2 of 4 stars). 2 submissions from 2 submitters: Uncertain significance (2). Last evaluated 2023-01-16.

Allele frequency attached by ClinVar (database versions not stated): gnomAD 0.00001; gnomAD exomes 0.00001; ExAC 0.00002; TOPMed 0.00002; 1000 Genomes Project 30x 0.00016.
gnomAD v4.1: 2 of 1,613,620 alleles (0.00012%); highest among the groups gnomAD compares: East Asian, 0.0045%; no homozygotes.

Submissions (2):

Labcorp Genetics (formerly Invitae), Labcorp
Classification: Uncertain significance. Last evaluated: 2023-01-16. Review status: criteria provided, single submitter. Criteria: Invitae Variant Classification Sherloc (09022015). Collection method: clinical testing. Allele origin: germline.
Comment: In summary, the available evidence is currently insufficient to determine the role of this variant in disease. Therefore, it has been classified as a Variant of Uncertain Significance. Algorithms developed to predict the effect of missense changes on protein structure and function (SIFT, PolyPhen-2, Align-GVGD) all suggest that this variant is likely to be tolerated. ClinVar contains an entry for this variant (Variation ID: 406204). This variant has not been reported in the literature in individuals affected with A2ML1-related conditions. This variant is present in population databases (rs371576976, gnomAD 0.006%). This sequence change replaces threonine, which is neutral and polar, with proline, which is neutral and non-polar, at codon 411 of the A2ML1 protein (p.Thr411Pro).

Women's Health and Genetics/Laboratory Corporation of America, LabCorp
Classification: Uncertain significance. Last evaluated: 2021-06-14. Review status: criteria provided, single submitter. Criteria: LabCorp Variant Classification Summary - May 2015. Collection method: clinical testing. Allele origin: germline.
Comment: Variant summary: A2ML1 c.1231A>C (p.Thr411Pro) results in a non-conservative amino acid change located in the Macroglobulin domain MG4 (IPR040839) of the encoded protein sequence. Three of five in-silico tools predict a benign effect of the variant on protein function. The variant allele was found at a frequency of 8e-06 in 248894 control chromosomes. The available data on variant occurrences in the general population are insufficient to allow any conclusion about variant significance. To our knowledge, no occurrence of c.1231A>C in individuals affected with Noonan Syndrome and no experimental evidence demonstrating its impact on protein function have been reported. One clinical diagnostic laboratory has submitted clinical-significance assessments for this variant to ClinVar after 2014 without evidence for independent evaluation and classified the variant as uncertain significance. Based on the evidence outlined above, the variant was classified as uncertain significance.

NM_144670.6(A2ML1):c.1231A>C (p.Thr411Pro)

Gene: A2ML1 (alpha-2-macroglobulin like 1; plus strand). Cytogenetic location: 12p13.31.
Variant type: single nucleotide variant.
Coding change: c.1231A>C on transcript NM_144670.6 (MANE Select); coding-DNA position 1231, A replaced by C.
Protein change: p.Thr411Pro; replaces threonine 411 with proline.
Molecular consequence: missense variant.
Genome position (GRCh38, 1-based): chr12:8,841,519, A>C. VCF-style: chr12-8841519-A-C. GRCh37 (hg19) VCF-style: chr12-8994115-A-C.
Other names: short protein forms T411P.
Identifiers: ClinVar variation 406204 (VCV000406204.11), dbSNP rs371576976, ClinGen allele CA6435569.
Genomic context (GRCh38, chr12:8,841,519, plus strand): 5'-CTGGTTACTGATAACAATGGCCTAGCTCCCTTTACCTTGGAGACATCCGGTTGGAATGGG[A>C]CAGACGTTTCTCTGGAGGTAAGCATGGACGGAGGACCAGCTTCCTAGAAAGGAAGGCTTC-3'
Protein context (NP_653271.3, residues 401-421): FTLETSGWNG[Thr411Pro]DVSLEGKFQM